The following is an entry in ClinVar:

ClinVar aggregate classification (germline): Pathogenic (1 of 4 stars; one submission).

Conditions:
9p partial trisomy syndrome. Also called: Partial trisomy of the short arm of chromosome 9; Trisomy 9p. Identifiers: Orphanet 236, Orphanet 262767, MedGen C0265428, MONDO:0016526.

Submission:

Broad Center for Mendelian Genomics, Broad Institute of MIT and Harvard
Classification: Pathogenic for 9p partial trisomy syndrome. Last evaluated: 2023-05-01. Review status: criteria provided, single submitter. Criteria: ACMG/ClinGen CNV Guidelines, 2019. Collection method: research. Allele origin: germline. Inheritance: Autosomal dominant inheritance. Affected: yes.
Comment: These breakpoints have been called by exome sequencing only and therefore may not reflect the true breakpoints. The patient phenotype is nonspecific, but is consistent with cases described in the literature and/or published databases with overlapping variants. The duplicated region contains no established triplosensitive regions but does contain CDKN2A, an established haploinsufficient gene. Data from large population studies are insufficient to assess the frequency of this variant. In summary, this variant meets criteria to be classified as pathogenic for autosomal dominant Trisomy 9p. The ACMG/ClinGen evidence codes and points used in this curation are as follows: 1: 0 points, 2: 0 points, 3: 0.90 points, 4-5: 0.15 points; Total: 1.05 points; Riggs 2020 (PMID: 31690835).

Single allele

Genes: LRRC19 (leucine rich repeat containing 19; minus strand), LURAP1L (leucine rich adaptor protein 1 like; plus strand), LURAP1L-AS1 (LURAP1L antisense RNA 1; minus strand), MAHAC (maintenance of histone H4K5 acetylation associated lncRNA; plus strand), MELK (maternal embryonic leucine zipper kinase; plus strand) and 892 more. Cytogenetic location: 9p24.3-13.1.
Variant type: Duplication.
Identifiers: ClinVar variation 4819211 (VCV004819211.1).